The following is an entry in ClinVar:

NM_032273.4(TMEM126A):c.351C>G (p.Tyr117Ter)

Gene: TMEM126A (transmembrane protein 126A; plus strand). Cytogenetic location: 11q14.1.
Variant type: single nucleotide variant.
Coding change: c.351C>G on transcript NM_032273.4 (MANE Select); coding-DNA position 351, C replaced by G.
Protein change: p.Tyr117Ter; replaces tyrosine 117 with a stop codon.
Molecular consequence: nonsense.
Genome position (GRCh38, 1-based): chr11:85,655,664, C>G. VCF-style: chr11-85655664-C-G. GRCh37 (hg19) VCF-style: chr11-85366708-C-G.
Other names: c.141C>G, p.Tyr47Ter (NM_001244735.2); short protein forms Y117*, Y47*.
Identifiers: ClinVar variation 3544458 (VCV003544458.1).
Genomic context (GRCh38, chr11:85,655,664, plus strand): 5'-TTGTGAAACCTGTACCATAACACGGAGTGGACTGACTGGTCTTGTTATTGGTGGTCTATA[C>G]CCTGTTTTCTTGGCTATACCTGTAAATGGTGGTCTAGCAGCCAGGTAGGAAATAAAAAAC-3'

ClinVar aggregate classification (germline): Likely pathogenic (1 of 4 stars; one submission).

Conditions:
Optic atrophy. Identifiers: MedGen C0029124, MONDO:0003608, HP:0000648.

Submission:

Lab De Baere, Eye and Developmental Genetics Lab, Ghent University
Classification: Likely pathogenic for Optic atrophy. Last evaluated: 2024-10-01. Review status: criteria provided, single submitter. Criteria: ACMG Guidelines, 2015. Collection method: research. Allele origin: inherited. Affected: yes. Observed: 1 variant allele.
Comment: ACMG/AMP guidelines: PM2, PVS1_PS2, PM3_PP